The following is an entry in ClinVar:

ClinVar aggregate classification (germline): Likely pathogenic (1 of 4 stars; one submission).

Conditions:
Polycystic kidney disease 2 (PKD2). Also called: POLYCYSTIC KIDNEY DISEASE 2 WITH OR WITHOUT POLYCYSTIC LIVER DISEASE; Polycystic Kidney Disease 2, Autosomal Dominant; POLYCYSTIC KIDNEY DISEASE, ADULT, TYPE II. Identifiers: MedGen C2751306, MONDO:0013131, OMIM 613095.

Submission:

Institute of Immunology and Genetics Kaiserslautern
Classification: Likely pathogenic for Polycystic kidney disease 2. Last evaluated: 2025-03-03. Review status: criteria provided, single submitter. Criteria: ACMG Guidelines, 2015. Collection method: clinical testing. Allele origin: germline. Affected: yes.
Comment: ACMG Criteria: PVS1, PM2; Variant was found in heterozygous state.

NM_000297.4(PKD2):c.1115_1116del (p.Lys372fs)

Gene: PKD2 (polycystin 2, transient receptor potential cation channel; plus strand). Cytogenetic location: 4q22.1.
Variant type: Deletion.
Coding change: c.1115_1116del on transcript NM_000297.4 (MANE Select); coding-DNA positions 1115 to 1116, 2 bases deleted (AA; older notation c.1115_1116delAA).
Protein change: p.Lys372fs; shifts the reading frame from lysine 372.
Molecular consequence: frameshift variant. On other transcripts: non-coding transcript variant (1).
Genome position (GRCh38, 1-based): chr4:88,043,253-88,043,254, AA deleted; deleting any 2 consecutive bases within chr4:88,043,250-88,043,254 gives the same sequence; the c. name uses the placement nearest the transcript's 3' end. VCF-style (leftmost placement, unchanged base first): chr4-88043249-GAA-G. GRCh37 (hg19) VCF-style: chr4-88964401-GAA-G.
Other names: short protein forms K372fs.
Identifiers: ClinVar variation 3897558 (VCV003897558.1).